The following is an entry in ClinVar:

ClinVar aggregate classification (germline): Uncertain significance (1 of 4 stars; one submission).

Submission:

GeneDx
Classification: Uncertain significance. Last evaluated: 2025-01-12. Review status: criteria provided, single submitter. Criteria: GeneDx Variant Classification Process June 2021. Collection method: clinical testing. Allele origin: germline. Affected: yes.
Comment: Not observed at significant frequency in large population cohorts (gnomAD); In silico analysis indicates that this missense variant does not alter protein structure/function; Has not been previously published as pathogenic or benign to our knowledge

NM_138927.4(SON):c.590C>T (p.Ser197Leu)

Gene: SON (SON DNA and RNA binding protein; plus strand). Cytogenetic location: 21q22.11.
Variant type: single nucleotide variant.
Coding change: c.590C>T on transcript NM_138927.4 (MANE Select); coding-DNA position 590, C replaced by T.
Protein change: p.Ser197Leu; replaces serine 197 with leucine.
Molecular consequence: missense variant. On other transcripts: non-coding transcript variant (1), intron variant (1).
Genome position (GRCh38, 1-based): chr21:33,549,821, C>T. VCF-style: chr21-33549821-C-T. GRCh37 (hg19) VCF-style: chr21-34922127-C-T.
Other names: c.590C>T, p.Ser197Leu (NM_001291411.2, NM_032195.3); c.244+3442C>T (NM_001291412.3); short protein forms S197L.
Identifiers: ClinVar variation 4057068 (VCV004057068.1).